The following is an entry in ClinVar:

ClinVar aggregate classification (germline): Uncertain significance. Review status: criteria provided, multiple submitters, no conflicts (2 of 4 stars). 2 submissions from 2 submitters: Uncertain significance (2). Last evaluated 2025-03-10.

Allele frequency attached by ClinVar (database versions not stated): TOPMed 0.00001; gnomAD exomes 0.00001; gnomAD 0.00001; ExAC 0.00002.
gnomAD v4.1: 14 of 1,608,350 alleles (0.00087%); highest among the groups gnomAD compares: East Asian, 0.0022%; no homozygotes.

Submissions (2):

Ambry Genetics
Classification: Uncertain significance. Last evaluated: 2025-03-10. Review status: criteria provided, single submitter. Criteria: Ambry Variant Classification Scheme 2023. Collection method: clinical testing. Allele origin: germline.

Labcorp Genetics (formerly Invitae), Labcorp
Classification: Uncertain significance. Last evaluated: 2024-05-27. Review status: criteria provided, single submitter. Criteria: Invitae Variant Classification Sherloc (09022015). Collection method: clinical testing. Allele origin: germline.
Comment: This sequence change replaces alanine, which is neutral and non-polar, with valine, which is neutral and non-polar, at codon 225 of the ZNF341 protein (p.Ala225Val). The frequency data for this variant in the population databases is considered unreliable, as metrics indicate poor data quality at this position in the gnomAD database. This variant has not been reported in the literature in individuals affected with ZNF341-related conditions. ClinVar contains an entry for this variant (Variation ID: 1389999). Algorithms developed to predict the effect of missense changes on protein structure and function output the following: SIFT: "Not Available"; PolyPhen-2: "Benign"; Align-GVGD: "Not Available". The valine amino acid residue is found in multiple mammalian species, which suggests that this missense change does not adversely affect protein function. In summary, the available evidence is currently insufficient to determine the role of this variant in disease. Therefore, it has been classified as a Variant of Uncertain Significance.

NM_001282933.2(ZNF341):c.674C>T (p.Ala225Val)

Gene: ZNF341 (zinc finger protein 341; plus strand). Cytogenetic location: 20q11.22.
Variant type: single nucleotide variant.
Coding change: c.674C>T on transcript NM_001282933.2 (MANE Select); coding-DNA position 674, C replaced by T.
Protein change: p.Ala225Val; replaces alanine 225 with valine.
Molecular consequence: missense variant. On other transcripts: non-coding transcript variant (1).
Genome position (GRCh38, 1-based): chr20:33,753,356, C>T. VCF-style: chr20-33753356-C-T. GRCh37 (hg19) VCF-style: chr20-32341162-C-T.
Other names: c.404C>T, p.Ala135Val (NM_001282935.2); c.674C>T, p.Ala225Val (NM_032819.5); c.674C>T (NM_032819.3); short protein forms A135V, A225V.
Identifiers: ClinVar variation 1389999 (VCV001389999.5), dbSNP rs754818891, ClinGen allele CA9819233.